The following is an entry in ClinVar:

ClinVar aggregate classification (germline): Likely benign. Review status: criteria provided, multiple submitters, no conflicts (2 of 4 stars). 2 submissions from 2 submitters: Likely benign (2). Last evaluated 2018-06-14.

Allele frequency attached by ClinVar (database versions not stated): 1000 Genomes Project 30x 0.01280; 1000 Genomes Project 0.01298; TOPMed 0.02560; gnomAD 0.02693.
gnomAD v4.1: 49,528 of 1,408,492 alleles (3.5%); highest among the groups gnomAD compares: Non-Finnish European, 4.1%; 1,086 homozygotes.

Submissions (2):

GeneDx
Classification: Likely benign. Last evaluated: 2018-06-14. Review status: criteria provided, single submitter. Criteria: GeneDx Variant Classification (06012015). Collection method: clinical testing. Allele origin: germline. Affected: yes.
Comment: This variant is considered likely benign or benign based on one or more of the following criteria: it is a conservative change, it occurs at a poorly conserved position in the protein, it is predicted to be benign by multiple in silico algorithms, and/or has population frequency not consistent with disease.

Breakthrough Genomics
Classification: Likely benign. Review status: criteria provided, single submitter. Criteria: ACMG Guidelines, 2015. Collection method: not provided. Allele origin: germline. Inheritance: Autosomal dominant inheritance. Affected: yes.

NM_014795.4(ZEB2):c.73+113G>T

Gene: ZEB2 (zinc finger E-box binding homeobox 2; minus strand). Cytogenetic location: 2q22.3.
Variant type: single nucleotide variant.
Coding change: c.73+113G>T on transcript NM_014795.4 (MANE Select); 113 bases into the intron after coding-DNA position 73, G replaced by T.
Molecular consequence: intron variant.
Genome position (GRCh38, 1-based): chr2:144,517,165, C>A on the plus strand (G>T on the coding strand, the complement: ZEB2 is on the minus strand). VCF-style: chr2-144517165-C-A. GRCh37 (hg19) VCF-style: chr2-145274732-C-A.
Other names: c.73+113G>T (NM_001171653.2).
Identifiers: ClinVar variation 675211 (VCV000675211.2), dbSNP rs147462449, ClinGen allele CA57809911.